The following is an entry in ClinVar:

ClinVar aggregate classification (germline): Likely pathogenic (1 of 4 stars; one submission).

Submission:

GeneDx
Classification: Likely pathogenic. Last evaluated: 2024-01-10. Review status: criteria provided, single submitter. Criteria: GeneDx Variant Classification Process June 2021. Collection method: clinical testing. Allele origin: germline. Affected: yes.
Comment: Not observed at significant frequency in large population cohorts (gnomAD); Missense variants in this gene are a common cause of disease and they are underrepresented in the general population; In silico analysis supports that this missense variant does not alter protein structure/function; Has not been previously published as pathogenic or benign to our knowledge; This variant is associated with the following publications: (PMID: 20829227)

NM_006086.4(TUBB3):c.74G>A (p.Ser25Asn)

Gene: TUBB3 (tubulin beta 3 class III; plus strand). Cytogenetic location: 16q24.3.
Variant type: single nucleotide variant.
Coding change: c.74G>A on transcript NM_006086.4 (MANE Select); coding-DNA position 74, G replaced by A.
Protein change: p.Ser25Asn; replaces serine 25 with asparagine.
Molecular consequence: missense variant. On other transcripts: 5 prime UTR variant (1).
Genome position (GRCh38, 1-based): chr16:89,932,587, G>A. VCF-style: chr16-89932587-G-A. GRCh37 (hg19) VCF-style: chr16-89998995-G-A.
Other names: c.-143G>A (NM_001197181.2); short protein forms S25N.
Identifiers: ClinVar variation 3340227 (VCV003340227.1).